The following is an entry in ClinVar:

NM_001369.3(DNAH5):c.3655C>T (p.Arg1219Cys)

Genes: DNAH5-AS1 (DNAH5 antisense RNA 1; plus strand), DNAH5 (dynein axonemal heavy chain 5; minus strand). Cytogenetic location: 5p15.2.
Variant type: single nucleotide variant.
Coding change: c.3655C>T on transcript NM_001369.3 (MANE Select); coding-DNA position 3655, C replaced by T.
Protein change: p.Arg1219Cys; replaces arginine 1219 with cysteine.
Molecular consequence: missense variant.
Genome position (GRCh38, 1-based): chr5:13,870,946, G>A on the plus strand (C>T on the coding strand, the complement: DNAH5 is on the minus strand). VCF-style: chr5-13870946-G-A. GRCh37 (hg19) VCF-style: chr5-13871055-G-A.
Other names: short protein forms R1219C.
Identifiers: ClinVar variation 907007 (VCV000907007.17), dbSNP rs745321705, ClinGen allele CA3204205.

ClinVar aggregate classification (germline): Conflicting classifications of pathogenicity. Review status: criteria provided, conflicting classifications (1 of 4 stars). 5 submissions from 5 submitters: Uncertain significance (3); Likely benign (1). 1 of the submissions does not count toward it. Last evaluated 2025-08-03.

Conditions:
DNAH5-related disorder. Also called: DNAH5-related condition.
Primary ciliary dyskinesia 3. Identifiers: Orphanet 244, MedGen C1837618, MONDO:0012085, OMIM 608644.
Primary ciliary dyskinesia. Also called: Ciliary dyskinesia. Identifiers: Orphanet 244, MedGen C0008780, MONDO:0016575, HP:0012265.

Allele frequency attached by ClinVar (database versions not stated): gnomAD exomes 0.00003 and 0.00006; ExAC 0.00004; gnomAD 0.00005; TOPMed 0.00005.
gnomAD v4.1: 90 of 1,613,526 alleles (0.0056%); highest among the groups gnomAD compares: Non-Finnish European, 0.0069%; 1 homozygote.

Submissions (5):

Labcorp Genetics (formerly Invitae), Labcorp
Classification: Likely benign for Primary ciliary dyskinesia. Last evaluated: 2025-08-03. Review status: criteria provided, single submitter. Criteria: Invitae Variant Classification Sherloc (09022015). Collection method: clinical testing. Allele origin: germline.

Ambry Genetics
Classification: Uncertain significance for Primary ciliary dyskinesia. Last evaluated: 2023-12-24. Review status: criteria provided, single submitter. Criteria: Ambry Variant Classification Scheme 2023. Collection method: clinical testing. Allele origin: germline.
Comment: The p.R1219C variant (also known as c.3655C>T), located in coding exon 24 of the DNAH5 gene, results from a C to T substitution at nucleotide position 3655. The arginine at codon 1219 is replaced by cysteine, an amino acid with highly dissimilar properties. This amino acid position is not well conserved in available vertebrate species. In addition, this alteration is predicted to be tolerated by in silico analysis. Since supporting evidence is limited at this time, the clinical significance of this alteration remains unclear.

PreventionGenetics, part of Exact Sciences
Classification: Uncertain significance for DNAH5-related condition. Last evaluated: 2023-08-12. Review status: criteria provided, single submitter. Criteria: ACMG Guidelines, 2015. Collection method: clinical testing. Allele origin: germline.
Comment: The DNAH5 c.3655C>T variant is predicted to result in the amino acid substitution p.Arg1219Cys. To our knowledge, this variant has not been reported in the literature. This variant is reported in 0.0098% of alleles in individuals of South Asian descent in gnomAD. At this time, the clinical significance of this variant is uncertain due to the absence of conclusive functional and genetic evidence.

Illumina Laboratory Services, Illumina
Classification: Uncertain significance for Primary ciliary dyskinesia 3. Last evaluated: 2018-01-13. Review status: criteria provided, single submitter. Criteria: ICSL Variant Classification Criteria 13 December 2019. Collection method: clinical testing. Allele origin: germline.

Natera, Inc.
Classification: Uncertain significance for Primary ciliary dyskinesia. Last evaluated: 2020-10-23. Review status: no assertion criteria provided. Collection method: clinical testing. Allele origin: germline. Not counted in ClinVar's aggregate classification.